The following is an entry in ClinVar:

ClinVar aggregate classification (germline): Uncertain significance (1 of 4 stars; one submission).

Conditions:
PLXNA2-related disorder. Also called: PLXNA2-related condition.

gnomAD v4.1: 12 of 1,613,912 alleles (0.00074%); highest among the groups gnomAD compares: African/African-American, 0.016%; no homozygotes.

Submission:

PreventionGenetics, part of Exact Sciences
Classification: Uncertain significance for PLXNA2-related condition. Last evaluated: 2025-10-01. Review status: criteria provided, single submitter. Criteria: ACMG Guidelines, 2015. Collection method: clinical testing. Allele origin: germline.
Comment: The PLXNA2 c.2600C>G variant is predicted to result in the amino acid substitution p.Ser867Cys. To our knowledge, this variant has not been reported in the literature or in a large population database (gnomAD), indicating this variant is rare. At this time, the clinical significance of this variant is uncertain due to the absence of conclusive functional and genetic evidence.

NM_025179.4(PLXNA2):c.2600C>G (p.Ser867Cys)

Gene: PLXNA2 (plexin A2; minus strand). Cytogenetic location: 1q32.2.
Variant type: single nucleotide variant.
Coding change: c.2600C>G on transcript NM_025179.4 (MANE Select); coding-DNA position 2600, C replaced by G.
Protein change: p.Ser867Cys; replaces serine 867 with cysteine.
Molecular consequence: missense variant.
Genome position (GRCh38, 1-based): chr1:208,060,824, G>C on the plus strand (C>G on the coding strand, the complement: PLXNA2 is on the minus strand). VCF-style: chr1-208060824-G-C. GRCh37 (hg19) VCF-style: chr1-208234169-G-C.
Other names: short protein forms S867C.
Identifiers: ClinVar variation 4990669 (VCV004990669.1).